The following is an entry in ClinVar:

NM_001368894.2(PAX6):c.337G>A (p.Ala113Thr)

Gene: PAX6 (paired box 6; minus strand). Cytogenetic location: 11p13.
Variant type: single nucleotide variant.
Coding change: c.337G>A on transcript NM_001368894.2 (MANE Select); coding-DNA position 337, G replaced by A.
Protein change: p.Ala113Thr; replaces alanine 113 with threonine.
Molecular consequence: missense variant. On other transcripts: 5 prime UTR variant (14), non-coding transcript variant (2), intron variant (8).
Genome position (GRCh38, 1-based): chr11:31,801,623, C>T on the plus strand (G>A on the coding strand, the complement: PAX6 is on the minus strand). VCF-style: chr11-31801623-C-T. GRCh37 (hg19) VCF-style: chr11-31823171-C-T.
Other names: c.295G>A, p.Ala99Thr (NM_000280.6, NM_001127612.3, NM_001258464.2 and 10 more transcripts); c.337G>A, p.Ala113Thr (NM_001258462.3, NM_001258463.2, NM_001310158.2 and 6 more transcripts); c.-445G>A (NM_001310160.2, NM_001368902.2, NM_001368905.2); c.-114G>A (NM_001310161.3, NM_001368899.2, NM_001368900.2 and 8 more transcripts); c.538G>A, p.Ala180Thr (NM_001368910.2); c.340G>A, p.Ala114Thr (NM_001368911.2); c.412G>A, p.Ala138Thr (NM_001368918.2, NM_001368919.2); c.370G>A, p.Ala124Thr (NM_001368920.2); and 2 more; short protein forms A113T, A114T, A138T, A180T, A124T, A99T.
Identifiers: ClinVar variation 1994163 (VCV001994163.4), dbSNP rs2496129091, ClinGen allele CA379958570.
Genomic context (GRCh38, chr11:31,801,623, plus strand): 5'-TTGGTATGTTATCGTTGGTACAGACCCCCTCGGACAGTAATCTGTCTCGGATTTCCCAAG[C>T]AAAGATGGACGGGCACTCCCGCTTATACTGGGCTATTTTGCTTACAACTTCTGGAGTCGC-3'
Protein context (NP_001355823.1, residues 103-123): QYKRECPSIF[Ala113Thr]WEIRDRLLSE

ClinVar aggregate classification (germline): Likely pathogenic (1 of 4 stars; one submission).

Conditions:
Aniridia 1 (AN1). Identifiers: Orphanet 250923, MedGen C0344542, MONDO:0024507, OMIM 106210.
Irido-corneo-trabecular dysgenesis (ASGD5). Also called: ANTERIOR SEGMENT DYSGENESIS 5. Identifiers: Orphanet 708, MedGen C0344559, MONDO:0011414, OMIM 604229, HP:0000659.

Submission:

Labcorp Genetics (formerly Invitae), Labcorp
Classification: Likely pathogenic for Aniridia 1; Irido-corneo-trabecular dysgenesis. Last evaluated: 2022-05-13. Review status: criteria provided, single submitter. Criteria: Invitae Variant Classification Sherloc (09022015). Collection method: clinical testing. Allele origin: germline.
Comment: This sequence change replaces alanine, which is neutral and non-polar, with threonine, which is neutral and polar, at codon 99 of the PAX6 protein (p.Ala99Thr). This variant is not present in population databases (gnomAD no frequency). This missense change has been observed in individual(s) with aniridia (Invitae). Advanced modeling of protein sequence and biophysical properties (such as structural, functional, and spatial information, amino acid conservation, physicochemical variation, residue mobility, and thermodynamic stability) performed at Invitae indicates that this missense variant is expected to disrupt PAX6 protein function. This variant disrupts the p.Ala99 amino acid residue in PAX6. Other variant(s) that disrupt this residue have been observed in individuals with PAX6-related conditions (PMID: 22893676), which suggests that this may be a clinically significant amino acid residue. In summary, the currently available evidence indicates that the variant is pathogenic, but additional data are needed to prove that conclusively. Therefore, this variant has been classified as Likely Pathogenic.

Literature cited by the submitters: PubMed 22893676.